The following is an entry in ClinVar:

ClinVar aggregate classification (germline): Pathogenic/Likely pathogenic. Review status: criteria provided, multiple submitters, no conflicts (2 of 4 stars). 2 submissions from 2 submitters: Pathogenic (1); Likely pathogenic (1). Last evaluated 2026-04-12.

Conditions:
Bethlem myopathy 1A. Also called: MYOPATHY, BENIGN CONGENITAL, WITH CONTRACTURES; Bethlem myopathy 1; Bethlem Muscular Dystrophy. Identifiers: Orphanet 610, MedGen CN029274, MONDO:0024530, OMIM 158810.

gnomAD v4.1: 3 of 1,612,772 alleles (0.00019%); highest among the groups gnomAD compares: Admixed American, 0.0017%; no homozygotes.

Submissions (2):

Dasa
Classification: Likely pathogenic. Last evaluated: 2026-04-12. Review status: criteria provided, single submitter. Criteria: DASA Assertion Criteria. Collection method: clinical testing. Allele origin: germline.
Comment: NM_001848.3(COL6A1):c.1432C>T (p.Arg478*) is a nonsense variant in COL6A1 predicted to introduce a premature termination codon and is predicted to result in an absent or altered protein product. Loss of function is an established disease mechanism for COL6A1-associated disorders. Also, this variant is rare in population databases. Based on the currently available evidence, this variant is classified as likely pathogenic.

Labcorp Genetics (formerly Invitae), Labcorp
Classification: Pathogenic for Bethlem myopathy 1A. Last evaluated: 2025-02-25. Review status: criteria provided, single submitter. Criteria: Invitae Variant Classification Sherloc (09022015). Collection method: clinical testing. Allele origin: germline.
Comment: This sequence change creates a premature translational stop signal (p.Arg478*) in the COL6A1 gene. It is expected to result in an absent or disrupted protein product. Loss-of-function variants in COL6A1 are known to be pathogenic (PMID: 19884007, 20976770). This variant is not present in population databases (gnomAD no frequency). This variant has not been reported in the literature in individuals affected with COL6A1-related conditions. For these reasons, this variant has been classified as Pathogenic.

Literature cited by the submitters: PubMed 19884007 (cited by Labcorp Genetics (formerly Invitae), Labcorp); PubMed 20976770 (cited by Labcorp Genetics (formerly Invitae), Labcorp).

NM_001848.3(COL6A1):c.1432C>T (p.Arg478Ter)

Gene: COL6A1 (collagen type VI alpha 1 chain; plus strand). Cytogenetic location: 21q22.3.
Variant type: single nucleotide variant.
Coding change: c.1432C>T on transcript NM_001848.3 (MANE Select); coding-DNA position 1432, C replaced by T.
Protein change: p.Arg478Ter; replaces arginine 478 with a stop codon.
Molecular consequence: nonsense.
Genome position (GRCh38, 1-based): chr21:45,997,454, C>T. VCF-style: chr21-45997454-C-T. GRCh37 (hg19) VCF-style: chr21-47417368-C-T.
Other names: short protein forms R478*.
Identifiers: ClinVar variation 4808505 (VCV004808505.3).